The following is an entry in ClinVar:

NM_000059.4(BRCA2):c.426-336T>C

Gene: BRCA2 (BRCA2 DNA repair associated; plus strand). Cytogenetic location: 13q13.1.
Variant type: single nucleotide variant.
Coding change: c.426-336T>C on transcript NM_000059.4 (MANE Select); 336 bases into the intron before coding-DNA position 426, T replaced by C.
Molecular consequence: intron variant.
Genome position (GRCh38, 1-based): chr13:32,325,765, T>C. VCF-style: chr13-32325765-T-C. GRCh37 (hg19) VCF-style: chr13-32899902-T-C.
Other names: IVS 4-336T>C.
Identifiers: ClinVar variation 209650 (VCV000209650.1), dbSNP rs11571621, ClinGen allele CA276619.

ClinVar aggregate classification (germline): Benign (3 of 4 stars; one submission).

Conditions:
Breast-ovarian cancer, familial, susceptibility to, 2 (BROVCA2). Also called: BRCA2 Hereditary Breast and Ovarian Cancer. Identifiers: Orphanet 145, MedGen C2675520, MONDO:0012933, OMIM 612555. Disease mechanism: loss of function.

Allele frequency attached by ClinVar (database versions not stated): 1000 Genomes Project 0.00699; gnomAD 0.00734 and 0.00801; 1000 Genomes Project 30x 0.00781; TOPMed 0.00815.
gnomAD v4.1: 1,108 of 151,970 alleles (0.73%); highest among the groups gnomAD compares: African/African-American, 2.5%; 16 homozygotes.

Submission:

Evidence-based Network for the Interpretation of Germline Mutant Alleles (ENIGMA)
Classification: Benign for Breast-ovarian cancer, familial 2. Last evaluated: 2015-01-12. Review status: reviewed by expert panel. Criteria: ENIGMA BRCA1/2 Classification Criteria (2015). Collection method: curation. Allele origin: germline.
Comment: Class 1 not pathogenic based on frequency >1% in an outbred sampleset. Frequency 0.03659 (African), derived from 1000 genomes (2012-04-30).